The following is an entry in ClinVar:

ClinVar aggregate classification (germline): Uncertain significance. Review status: criteria provided, multiple submitters, no conflicts (2 of 4 stars). 2 submissions from 2 submitters: Uncertain significance (2). Last evaluated 2024-09-26.

Conditions:
GATA binding protein 1 related thrombocytopenia with dyserythropoiesis. Also called: GATA1-Related Cytopenia; GATA1-Related X-Linked Cytopenia. Identifiers: MedGen C1845837, MONDO:0100089.
Diamond-Blackfan anemia. Also called: Blackfan Diamond syndrome; Aregenerative anemia chronic congenital; Red cell aplasia, pure hereditary; Congenital hypoplastic anemia; Aase syndrome. Identifiers: Orphanet 124, MedGen C1260899, MeSH D029503, MONDO:0015253, HP:0004810.

Submissions (2):

GeneDx
Classification: Uncertain significance. Last evaluated: 2024-09-26. Review status: criteria provided, single submitter. Criteria: GeneDx Variant Classification Process June 2021. Collection method: clinical testing. Allele origin: germline. Affected: yes.
Comment: Not observed at significant frequency in large population cohorts (gnomAD); In silico analysis indicates that this missense variant does not alter protein structure/function; Has not been previously published as pathogenic or benign to our knowledge

Labcorp Genetics (formerly Invitae), Labcorp
Classification: Uncertain significance for GATA binding protein 1 related thrombocytopenia with dyserythropoiesis; Diamond-Blackfan anemia. Last evaluated: 2021-05-16. Review status: criteria provided, single submitter. Criteria: Invitae Variant Classification Sherloc (09022015). Collection method: clinical testing. Allele origin: germline.
Comment: In summary, the available evidence is currently insufficient to determine the role of this variant in disease. Therefore, it has been classified as a Variant of Uncertain Significance. This sequence change replaces alanine with valine at codon 97 of the GATA1 protein (p.Ala97Val). The alanine residue is moderately conserved and there is a small physicochemical difference between alanine and valine. This variant is not present in population databases (ExAC no frequency). This variant has not been reported in the literature in individuals with GATA1-related conditions. Algorithms developed to predict the effect of missense changes on protein structure and function (SIFT, PolyPhen-2, Align-GVGD) all suggest that this variant is likely to be tolerated, but these predictions have not been confirmed by published functional studies and their clinical significance is uncertain.

NM_002049.4(GATA1):c.290C>T (p.Ala97Val)

Gene: GATA1 (GATA binding protein 1; plus strand). Cytogenetic location: Xp11.23.
Variant type: single nucleotide variant.
Coding change: c.290C>T on transcript NM_002049.4 (MANE Select); coding-DNA position 290, C replaced by T.
Protein change: p.Ala97Val; replaces alanine 97 with valine.
Molecular consequence: missense variant.
Genome position (GRCh38, 1-based): chrX:48,791,913, C>T. VCF-style: chrX-48791913-C-T. GRCh37 (hg19) VCF-style: chrX-48650320-C-T.
Other names: c.290C>T (NM_002049.3); short protein forms A97V.
Identifiers: ClinVar variation 1447264 (VCV001447264.9), dbSNP rs2147306181, ClinGen allele CA412867999.